The following is an entry in ClinVar:

ClinVar aggregate classification (germline): Uncertain significance (1 of 4 stars; one submission).

Conditions:
Granulomatous disease, chronic, autosomal recessive, cytochrome b-positive, type 2. Also called: CGD, AUTOSOMAL RECESSIVE CYTOCHROME b-POSITIVE, TYPE II; GRANULOMATOUS DISEASE, CHRONIC, DUE TO NCF2 DEFICIENCY; GRANULOMATOUS DISEASE, CHRONIC, AUTOSOMAL RECESSIVE, 2; Chronic granulomatous disease due to deficiency of NCF-2; Chronic Granulomatous Disease, Autosomal Recessive, Cytochrome b-Positive, Type II. Identifiers: Orphanet 379, MedGen C1856245, MONDO:0009310, OMIM 233710.

Allele frequency attached by ClinVar (database versions not stated): ExAC 0.00002; gnomAD 0.00002; TOPMed 0.00003.
gnomAD v4.1: 4 of 1,613,672 alleles (0.00025%); highest among the groups gnomAD compares: African/African-American, 0.0053%; no homozygotes.

Submission:

Labcorp Genetics (formerly Invitae), Labcorp
Classification: Uncertain significance for Granulomatous disease, chronic, autosomal recessive, cytochrome b-positive, type 2. Last evaluated: 2023-10-05. Review status: criteria provided, single submitter. Criteria: Invitae Variant Classification Sherloc (09022015). Collection method: clinical testing. Allele origin: germline.
Comment: This sequence change replaces valine, which is neutral and non-polar, with leucine, which is neutral and non-polar, at codon 526 of the NCF2 protein (p.Val526Leu). This variant is present in population databases (rs762269733, gnomAD 0.01%). This variant has not been reported in the literature in individuals affected with NCF2-related conditions. An algorithm developed to predict the effect of missense changes on protein structure and function (PolyPhen-2) suggests that this variant¬†is likely to be tolerated. In summary, the available evidence is currently insufficient to determine the role of this variant in disease. Therefore, it has been classified as a Variant of Uncertain Significance.

NM_000433.4(NCF2):c.1576G>C (p.Val526Leu)

Gene: NCF2 (neutrophil cytosolic factor 2; minus strand). Cytogenetic location: 1q25.3.
Variant type: single nucleotide variant.
Coding change: c.1576G>C on transcript NM_000433.4 (MANE Select); coding-DNA position 1576, G replaced by C.
Protein change: p.Val526Leu; replaces valine 526 with leucine.
Molecular consequence: missense variant.
Genome position (GRCh38, 1-based): chr1:183,556,123, C>G on the plus strand (G>C on the coding strand, the complement: NCF2 is on the minus strand). VCF-style: chr1-183556123-C-G. GRCh37 (hg19) VCF-style: chr1-183525258-C-G.
Other names: c.1576G>C, p.Val526Leu (NM_001127651.3); c.1333G>C, p.Val445Leu (NM_001190789.2); c.1441G>C, p.Val481Leu (NM_001190794.2); c.1468G>C, p.Val490Leu (NM_001410895.1); short protein forms V445L, V481L, V526L, V490L.
Identifiers: ClinVar variation 2905560 (VCV002905560.1), dbSNP rs762269733, ClinGen allele CA1284563.